The following is an entry in ClinVar:

NM_001040142.2(SCN2A):c.4798G>T (p.Val1600Leu)

Gene: SCN2A (sodium voltage-gated channel alpha subunit 2; plus strand). Cytogenetic location: 2q24.3.
Variant type: single nucleotide variant.
Coding change: c.4798G>T on transcript NM_001040142.2 (MANE Select); coding-DNA position 4798, G replaced by T.
Protein change: p.Val1600Leu; replaces valine 1600 with leucine.
Molecular consequence: missense variant.
Genome position (GRCh38, 1-based): chr2:165,386,992, G>T. VCF-style: chr2-165386992-G-T. GRCh37 (hg19) VCF-style: chr2-166243502-G-T.
Other names: c.4798G>T, p.Val1600Leu (NM_001040143.2, NM_001371246.1, NM_001371247.1 and 1 more transcripts); short protein forms V1600L.
Identifiers: ClinVar variation 3753672 (VCV003753672.2).
Genomic context (GRCh38, chr2:165,386,992, plus strand): 5'-CTGAAACTGATCTCTCTTCGTTACTACTATTTCACTATTGGATGGAATATTTTTGATTTT[G>T]TGGTGGTCATTCTCTCCATTGTAGGTAAGAAGAGGTGCTTTTATTCAGTTAAGGAATATA-3'
Protein context (NP_001035232.1, residues 1590-1610): FTIGWNIFDF[Val1600Leu]VVILSIVGMF

ClinVar aggregate classification (germline): Uncertain significance (1 of 4 stars; one submission).

Conditions:
Developmental and epileptic encephalopathy, 11 (DEE11). Also called: Early infantile epileptic encephalopathy 11. Identifiers: Orphanet 1934, MedGen C3150987, MONDO:0013388, OMIM 613721.
Seizures, benign familial infantile, 3 (BFIS3). Also called: CONVULSIONS, BENIGN FAMILIAL INFANTILE, 3; Familial neonatal seizures. Identifiers: Orphanet 140927, Orphanet 306, MedGen C1843140, MONDO:0011904, OMIM 607745.

Submission:

Labcorp Genetics (formerly Invitae), Labcorp
Classification: Uncertain significance for Seizures, benign familial infantile, 3; Developmental and epileptic encephalopathy, 11. Last evaluated: 2024-08-11. Review status: criteria provided, single submitter. Criteria: Invitae Variant Classification Sherloc (09022015). Collection method: clinical testing. Allele origin: germline.
Comment: This sequence change replaces valine, which is neutral and non-polar, with leucine, which is neutral and non-polar, at codon 1600 of the SCN2A protein (p.Val1600Leu). This variant is not present in population databases (gnomAD no frequency). This variant has not been reported in the literature in individuals affected with SCN2A-related conditions. Advanced modeling of protein sequence and biophysical properties (such as structural, functional, and spatial information, amino acid conservation, physicochemical variation, residue mobility, and thermodynamic stability) has been performed at Invitae for this missense variant, however the output from this modeling did not meet the statistical confidence thresholds required to predict the impact of this variant on SCN2A protein function. In summary, the available evidence is currently insufficient to determine the role of this variant in disease. Therefore, it has been classified as a Variant of Uncertain Significance.